The following is an entry in ClinVar:

NM_001134665.3(TRMT10A):c.172C>T (p.Arg58Trp)

Gene: TRMT10A (tRNA methyltransferase 10A; minus strand). Cytogenetic location: 4q23.
Variant type: single nucleotide variant.
Coding change: c.172C>T on transcript NM_001134665.3 (MANE Select); coding-DNA position 172, C replaced by T.
Protein change: p.Arg58Trp; replaces arginine 58 with tryptophan.
Molecular consequence: missense variant.
Genome position (GRCh38, 1-based): chr4:99,559,167, G>A on the plus strand (C>T on the coding strand, the complement: TRMT10A is on the minus strand). VCF-style: chr4-99559167-G-A. GRCh37 (hg19) VCF-style: chr4-100480324-G-A.
Other names: c.172C>T, p.Arg58Trp (NM_001134666.3, NM_001375880.1, NM_001375881.1 and 2 more transcripts); c.172C>T (NM_152292.4); short protein forms R58W.
Identifiers: ClinVar variation 1945080 (VCV001945080.5), dbSNP rs767807581, ClinGen allele CA102657693.

ClinVar aggregate classification (germline): Uncertain significance. Review status: criteria provided, multiple submitters, no conflicts (2 of 4 stars). 2 submissions from 2 submitters: Uncertain significance (2). Last evaluated 2025-01-17.

Conditions:
Inborn genetic diseases. Identifiers: MedGen C0950123, MeSH D030342.

gnomAD v4.1: 12 of 1,611,844 alleles (0.00074%); highest among the groups gnomAD compares: East Asian, 0.0067%; no homozygotes.

Submissions (2):

Ambry Genetics
Classification: Uncertain significance for Inborn genetic diseases. Last evaluated: 2025-01-17. Review status: criteria provided, single submitter. Criteria: Ambry Variant Classification Scheme 2023. Collection method: clinical testing. Allele origin: germline.

Labcorp Genetics (formerly Invitae), Labcorp
Classification: Uncertain significance. Last evaluated: 2022-04-04. Review status: criteria provided, single submitter. Criteria: Invitae Variant Classification Sherloc (09022015). Collection method: clinical testing. Allele origin: germline.
Comment: In summary, the available evidence is currently insufficient to determine the role of this variant in disease. Therefore, it has been classified as a Variant of Uncertain Significance. Algorithms developed to predict the effect of missense changes on protein structure and function (SIFT, PolyPhen-2, Align-GVGD) all suggest that this variant is likely to be disruptive. This variant has not been reported in the literature in individuals affected with TRMT10A-related conditions. This variant is present in population databases (no rsID available, gnomAD 0.0009%). This sequence change replaces arginine, which is basic and polar, with tryptophan, which is neutral and slightly polar, at codon 58 of the TRMT10A protein (p.Arg58Trp).